The following is an entry in ClinVar:

ClinVar aggregate classification (germline): Pathogenic (1 of 4 stars; one submission).

Conditions:
Alagille syndrome due to a JAG1 point mutation. Also called: Alagille Syndrome 1; JAG1-Related Alagille Syndrome; HEPATIC DUCTULAR HYPOPLASIA, SYNDROMATIC. Identifiers: Orphanet 261619, Orphanet 52, MedGen C1956125, MONDO:0016862, OMIM 118450.

Submission:

Labcorp Genetics (formerly Invitae), Labcorp
Classification: Pathogenic for Alagille syndrome due to a JAG1 point mutation. Last evaluated: 2023-01-24. Review status: criteria provided, single submitter. Criteria: Invitae Variant Classification Sherloc (09022015). Collection method: clinical testing. Allele origin: germline.
Comment: This sequence change creates a premature translational stop signal (p.Tyr651*) in the JAG1 gene. It is expected to result in an absent or disrupted protein product. Loss-of-function variants in JAG1 are known to be pathogenic (PMID: 11180599). This variant is not present in population databases (gnomAD no frequency). This variant has not been reported in the literature in individuals affected with JAG1-related conditions. For these reasons, this variant has been classified as Pathogenic.

Literature cited by the submitters: PubMed 11180599.

NM_000214.3(JAG1):c.1953C>A (p.Tyr651Ter)

Gene: JAG1 (jagged canonical Notch ligand 1; minus strand). Cytogenetic location: 20p12.2.
Variant type: single nucleotide variant.
Coding change: c.1953C>A on transcript NM_000214.3 (MANE Select); coding-DNA position 1953, C replaced by A.
Protein change: p.Tyr651Ter; replaces tyrosine 651 with a stop codon.
Molecular consequence: nonsense.
Genome position (GRCh38, 1-based): chr20:10,646,017, G>T on the plus strand (C>A on the coding strand, the complement: JAG1 is on the minus strand). VCF-style: chr20-10646017-G-T. GRCh37 (hg19) VCF-style: chr20-10626665-G-T.
Other names: short protein forms Y651*.
Identifiers: ClinVar variation 2825763 (VCV002825763.3), dbSNP rs2514514448, ClinGen allele CA408235756.